The following is an entry in ClinVar:

NM_201384.3(PLEC):c.8362C>G (p.Leu2788Val)

Gene: PLEC (plectin; minus strand). Cytogenetic location: 8q24.3.
Variant type: single nucleotide variant.
Coding change: c.8362C>G on transcript NM_201384.3 (MANE Select); coding-DNA position 8362, C replaced by G.
Protein change: p.Leu2788Val; replaces leucine 2788 with valine.
Molecular consequence: missense variant.
Genome position (GRCh38, 1-based): chr8:143,921,459, G>C on the plus strand (C>G on the coding strand, the complement: PLEC is on the minus strand). VCF-style: chr8-143921459-G-C. GRCh37 (hg19) VCF-style: chr8-144995627-G-C.
Other names: c.8443C>G, p.Leu2815Val (NM_000445.5); c.5062C>G, p.Leu1688Val (NM_001410941.1); c.8320C>G, p.Leu2774Val (NM_201378.4); c.8296C>G, p.Leu2766Val (NM_201379.3); c.8773C>G, p.Leu2925Val (NM_201380.4); c.8266C>G, p.Leu2756Val (NM_201381.3); c.8362C>G, p.Leu2788Val (NM_201382.4); c.8374C>G, p.Leu2792Val (NM_201383.3); short protein forms L2774V, L2788V, L2925V, L1688V, L2815V, L2756V, L2766V, L2792V.
Identifiers: ClinVar variation 2926842 (VCV002926842.3), dbSNP rs1822667010, ClinGen allele CA372516193.

ClinVar aggregate classification (germline): Uncertain significance (1 of 4 stars; one submission).

Conditions:
Epidermolysis bullosa simplex with nail dystrophy (EBS5D). Identifiers: MedGen C4225309, MONDO:0014661, OMIM 616487.
Epidermolysis bullosa simplex 5B, with muscular dystrophy (EBS5B). Also called: EPIDERMOLYSIS BULLOSA SIMPLEX AND LIMB-GIRDLE MUSCULAR DYSTROPHY; Epidermolysis bullosa simplex with muscular dystrophy. Identifiers: Orphanet 257, MedGen C2931072, MONDO:0009181, OMIM 226670.
Epidermolysis bullosa simplex 5C, with pyloric atresia (EBS5C). Also called: PLEC-Related Epidermolysis Bullosa with Pyloric Atresia; Epidermolysis bullosa simplex with pyloric atresia; PLEC1-Related Epidermolysis Bullosa with Pyloric Atresia. Identifiers: Orphanet 158684, MedGen C2677349, MONDO:0012807, OMIM 612138.
Autosomal recessive limb-girdle muscular dystrophy type 2Q (LGMDR17). Also called: MUSCULAR DYSTROPHY, LIMB-GIRDLE, AUTOSOMAL RECESSIVE 17. Identifiers: Orphanet 254361, MedGen C3150989, MONDO:0013390, OMIM 613723.
Epidermolysis bullosa simplex, Ogna type (EBS5A). Also called: Pidermolysis bullosa simplex 5A, Ogna type; EPIDERMOLYSIS BULLOSA SIMPLEX 5A, OGNA TYPE. Identifiers: Orphanet 79401, MedGen C0432317, MONDO:0007555, OMIM 131950.

Allele frequency attached by ClinVar (database versions not stated): TOPMed below 0.00001.
gnomAD v4.1: 8 of 1,613,334 alleles (0.0005%); highest among the groups gnomAD compares: Non-Finnish European, 0.00059%; no homozygotes.

Submission:

Labcorp Genetics (formerly Invitae), Labcorp
Classification: Uncertain significance for Autosomal recessive limb-girdle muscular dystrophy type 2Q; Epidermolysis bullosa simplex, Ogna type; Epidermolysis bullosa simplex with nail dystrophy; Epidermolysis bullosa simplex 5C, with pyloric atresia; Epidermolysis bullosa simplex 5B, with muscular dystrophy. Last evaluated: 2025-07-21. Review status: criteria provided, single submitter. Criteria: Invitae Variant Classification Sherloc (09022015). Collection method: clinical testing. Allele origin: germline.
Comment: This sequence change replaces leucine, which is neutral and non-polar, with valine, which is neutral and non-polar, at codon 2815 of the PLEC protein (p.Leu2815Val). This variant is not present in population databases (gnomAD no frequency). This variant has not been reported in the literature in individuals affected with PLEC-related conditions. ClinVar contains an entry for this variant (Variation ID: 2926842). An algorithm developed to predict the effect of missense changes on protein structure and function (PolyPhen-2) suggests that this variant is likely to be disruptive. In summary, the available evidence is currently insufficient to determine the role of this variant in disease. Therefore, it has been classified as a Variant of Uncertain Significance.